The following is an entry in ClinVar:

NM_000465.4(BARD1):c.539A>G (p.Tyr180Cys)

Gene: BARD1 (BRCA1 associated RING domain 1; minus strand). Cytogenetic location: 2q35.
Variant type: single nucleotide variant.
Coding change: c.539A>G on transcript NM_000465.4 (MANE Select); coding-DNA position 539, A replaced by G.
Protein change: p.Tyr180Cys; replaces tyrosine 180 with cysteine.
Molecular consequence: missense variant. On other transcripts: non-coding transcript variant (2), intron variant (3).
Genome position (GRCh38, 1-based): chr2:214,781,335, T>C on the plus strand (A>G on the coding strand, the complement: BARD1 is on the minus strand). VCF-style: chr2-214781335-T-C. GRCh37 (hg19) VCF-style: chr2-215646059-T-C.
Other names: c.482A>G, p.Tyr161Cys (NM_001282543.2); c.158+28077A>G (NM_001282548.2); c.215+15726A>G (NM_001282545.2); c.364+10962A>G (NM_001282549.2); short protein forms Y180C, Y161C.
Identifiers: ClinVar variation 485309 (VCV000485309.15), dbSNP rs1553622631, ClinGen allele CA350457431.

ClinVar aggregate classification (germline): Uncertain significance. Review status: criteria provided, multiple submitters, no conflicts (2 of 4 stars). 2 submissions from 2 submitters: Uncertain significance (2). Last evaluated 2025-11-11.

Conditions:
Hereditary cancer-predisposing syndrome. Also called: Neoplastic Syndromes, Hereditary; Tumor predisposition; Hereditary Cancer Syndrome; Hereditary neoplastic syndrome. Identifiers: Orphanet 140162, MedGen C0027672, MeSH D009386, MONDO:0015356.
Familial cancer of breast. Also called: BREAST CANCER, FAMILIAL; Hereditary breast cancer; hereditary breast carcinoma. Identifiers: Orphanet 227535, MedGen C0346153, MONDO:0016419, OMIM 114480. Disease mechanism: loss of function.

Allele frequency attached by ClinVar (database versions not stated): gnomAD exomes below 0.00001.
gnomAD v4.1: 1 of 1,613,512 alleles (0.000062%); highest among the groups gnomAD compares: African/African-American, 0.0013%; no homozygotes.

Submissions (2):

Labcorp Genetics (formerly Invitae), Labcorp
Classification: Uncertain significance for Familial cancer of breast. Last evaluated: 2025-11-11. Review status: criteria provided, single submitter. Criteria: Invitae Variant Classification Sherloc (09022015). Collection method: clinical testing. Allele origin: germline.
Comment: This sequence change replaces tyrosine, which is neutral and polar, with cysteine, which is neutral and slightly polar, at codon 180 of the BARD1 protein (p.Tyr180Cys). This variant is not present in population databases (gnomAD no frequency). This missense change has been observed in individual(s) with breast cancer (PMID: 31036035). ClinVar contains an entry for this variant (Variation ID: 485309). An algorithm developed to predict the effect of missense changes on protein structure and function (PolyPhen-2) suggests that this variant is likely to be disruptive. In summary, the available evidence is currently insufficient to determine the role of this variant in disease. Therefore, it has been classified as a Variant of Uncertain Significance.

Ambry Genetics
Classification: Uncertain significance for Hereditary cancer-predisposing syndrome. Last evaluated: 2025-04-01. Review status: criteria provided, single submitter. Criteria: Ambry Variant Classification Scheme 2023. Collection method: clinical testing. Allele origin: germline.
Comment: The p.Y180C variant (also known as c.539A>G), located in coding exon 4 of the BARD1 gene, results from an A to G substitution at nucleotide position 539. The tyrosine at codon 180 is replaced by cysteine, an amino acid with highly dissimilar properties. This amino acid position is highly conserved in available vertebrate species. In addition, the in silico prediction for this alteration is inconclusive. Based on the available evidence, the clinical significance of this variant remains unclear.

Literature cited by the submitters: PubMed 31036035 (cited by Labcorp Genetics (formerly Invitae), Labcorp).